The following is an entry in ClinVar:

ClinVar aggregate classification (germline): Uncertain significance (1 of 4 stars; one submission).

Submission:

Labcorp Genetics (formerly Invitae), Labcorp
Classification: Uncertain significance. Last evaluated: 2024-02-24. Review status: criteria provided, single submitter. Criteria: Invitae Variant Classification Sherloc (09022015). Collection method: clinical testing. Allele origin: germline.
Comment: This sequence change replaces glutamic acid, which is acidic and polar, with lysine, which is basic and polar, at codon 1197 of the PCLO protein (p.Glu1197Lys). This variant is not present in population databases (gnomAD no frequency). This variant has not been reported in the literature in individuals affected with PCLO-related conditions. ClinVar contains an entry for this variant (Variation ID: 2091019). Experimental studies and prediction algorithms are not available or were not evaluated, and the functional significance of this variant is currently unknown. In summary, the available evidence is currently insufficient to determine the role of this variant in disease. Therefore, it has been classified as a Variant of Uncertain Significance.

NM_033026.6(PCLO):c.3589G>A (p.Glu1197Lys)

Gene: PCLO (piccolo presynaptic cytomatrix protein; minus strand). Cytogenetic location: 7q21.11.
Variant type: single nucleotide variant.
Coding change: c.3589G>A on transcript NM_033026.6 (MANE Select); coding-DNA position 3589, G replaced by A.
Protein change: p.Glu1197Lys; replaces glutamic acid 1197 with lysine.
Molecular consequence: missense variant.
Genome position (GRCh38, 1-based): chr7:82,966,199, C>T on the plus strand (G>A on the coding strand, the complement: PCLO is on the minus strand). VCF-style: chr7-82966199-C-T. GRCh37 (hg19) VCF-style: chr7-82595515-C-T.
Other names: c.3589G>A, p.Glu1197Lys (NM_014510.3); short protein forms E1197K.
Identifiers: ClinVar variation 2091019 (VCV002091019.4), dbSNP rs2484203975, ClinGen allele CA367932969.